The following is an entry in ClinVar:

ClinVar aggregate classification (germline): Uncertain significance (1 of 4 stars; one submission).

Allele frequency attached by ClinVar (database versions not stated): gnomAD exomes below 0.00001.
gnomAD v4.1: 1 of 1,614,204 alleles (0.000062%); highest among the groups gnomAD compares: Non-Finnish European, 0.000085%; no homozygotes.

Submission:

CeGaT Center for Human Genetics Tuebingen
Classification: Uncertain significance. Last evaluated: 2022-03-01. Review status: criteria provided, single submitter. Criteria: CeGaT Center For Human Genetics Tuebingen Variant Classification Criteria Version 2. Collection method: clinical testing. Allele origin: germline. Affected: yes. Observed: 1 variant allele.
Comment: KIDINS220: PM2

NM_020738.4(KIDINS220):c.4406A>G (p.Asp1469Gly)

Gene: KIDINS220 (kinase D interacting substrate 220; minus strand). Cytogenetic location: 2p25.1.
Variant type: single nucleotide variant.
Coding change: c.4406A>G on transcript NM_020738.4 (MANE Select); coding-DNA position 4406, A replaced by G.
Protein change: p.Asp1469Gly; replaces aspartic acid 1469 with glycine.
Molecular consequence: missense variant. On other transcripts: intron variant (6).
Genome position (GRCh38, 1-based): chr2:8,731,630, T>C on the plus strand (A>G on the coding strand, the complement: KIDINS220 is on the minus strand). VCF-style: chr2-8731630-T-C. GRCh37 (hg19) VCF-style: chr2-8871760-T-C.
Other names: c.4409A>G, p.Asp1470Gly (NM_001348729.2); c.4352A>G, p.Asp1451Gly (NM_001348731.2); c.4349A>G, p.Asp1450Gly (NM_001348732.2); c.4238A>G, p.Asp1413Gly (NM_001348734.2); c.4235A>G, p.Asp1412Gly (NM_001348735.2); c.4109A>G, p.Asp1370Gly (NM_001348736.2); c.3882+1814A>G (NM_001348741.2, NM_001348742.2, NM_001348743.2); c.3996+1814A>G (NM_001348738.2); and 1 more; short protein forms D1370G, D1412G, D1413G, D1450G, D1451G, D1469G, D1470G.
Identifiers: ClinVar variation 2650647 (VCV002650647.24), dbSNP rs2527403857, ClinGen allele CA345764697.